The following is an entry in ClinVar:

NM_001082971.2(DDC):c.1129T>C (p.Tyr377His)

Gene: DDC (dopa decarboxylase; minus strand). Cytogenetic location: 7p12.2.
Variant type: single nucleotide variant.
Coding change: c.1129T>C on transcript NM_001082971.2 (MANE Select); coding-DNA position 1129, T replaced by C.
Protein change: p.Tyr377His; replaces tyrosine 377 with histidine.
Molecular consequence: missense variant.
Genome position (GRCh38, 1-based): chr7:50,470,084, A>G on the plus strand (T>C on the coding strand, the complement: DDC is on the minus strand). VCF-style: chr7-50470084-A-G. GRCh37 (hg19) VCF-style: chr7-50537782-A-G.
Other names: c.1129T>C, p.Tyr377His (NM_000790.4); c.1015T>C, p.Tyr339His (NM_001242886.2); c.985T>C, p.Tyr329His (NM_001242887.2); c.895T>C, p.Tyr299His (NM_001242888.2); c.850T>C, p.Tyr284His (NM_001242889.2); short protein forms Y284H, Y299H, Y329H, Y339H, Y377H.
Identifiers: ClinVar variation 4686896 (VCV004686896.1).

ClinVar aggregate classification (germline): Uncertain significance (1 of 4 stars; one submission).

Submission:

GeneDx
Classification: Uncertain significance. Last evaluated: 2025-07-20. Review status: criteria provided, single submitter. Criteria: GeneDx Variant Classification Process June 2021. Collection method: clinical testing. Allele origin: germline. Affected: yes.
Comment: Not observed at significant frequency in large population cohorts (gnomAD); In silico analysis suggests that this missense variant does not alter protein structure/function; Has not been previously published as pathogenic or benign to our knowledge